The following is an entry in ClinVar:

ClinVar aggregate classification (germline): Uncertain significance (1 of 4 stars; one submission).

Conditions:
Amyotrophic lateral sclerosis type 21. Also called: VOCAL CORD AND PHARYNGEAL DYSFUNCTION WITH DISTAL MYOPATHY; MYOPATHY, DISTAL, 2. Identifiers: Orphanet 600, Orphanet 803, MedGen C3807521, MONDO:0011632, OMIM 606070.

Allele frequency attached by ClinVar (database versions not stated): gnomAD 0.00001; gnomAD exomes 0.00001 and 0.00002; TOPMed 0.00001; ExAC 0.00004.
gnomAD v4.1: 15 of 1,613,952 alleles (0.00093%); highest among the groups gnomAD compares: Middle Eastern, 0.016%; no homozygotes.

Submission:

Labcorp Genetics (formerly Invitae), Labcorp
Classification: Uncertain significance for Amyotrophic lateral sclerosis type 21. Last evaluated: 2025-01-23. Review status: criteria provided, single submitter. Criteria: Invitae Variant Classification Sherloc (09022015). Collection method: clinical testing. Allele origin: germline.
Comment: This sequence change replaces threonine, which is neutral and polar, with alanine, which is neutral and non-polar, at codon 455 of the MATR3 protein (p.Thr455Ala). This variant is present in population databases (rs781213918, gnomAD 0.004%). This variant has not been reported in the literature in individuals affected with MATR3-related conditions. ClinVar contains an entry for this variant (Variation ID: 663874). Invitae Evidence Modeling of protein sequence and biophysical properties (such as structural, functional, and spatial information, amino acid conservation, physicochemical variation, residue mobility, and thermodynamic stability) indicates that this missense variant is not expected to disrupt MATR3 protein function with a negative predictive value of 80%. In summary, the available evidence is currently insufficient to determine the role of this variant in disease. Therefore, it has been classified as a Variant of Uncertain Significance.

NM_018834.6(MATR3):c.1363A>G (p.Thr455Ala)

Gene: MATR3 (matrin 3; plus strand). Cytogenetic location: 5q31.2.
Variant type: single nucleotide variant.
Coding change: c.1363A>G on transcript NM_018834.6 (MANE Select); coding-DNA position 1363, A replaced by G.
Protein change: p.Thr455Ala; replaces threonine 455 with alanine.
Molecular consequence: missense variant.
Genome position (GRCh38, 1-based): chr5:139,318,962, A>G. VCF-style: chr5-139318962-A-G. GRCh37 (hg19) VCF-style: chr5-138654651-A-G.
Other names: c.1363A>G, p.Thr455Ala (NM_001194954.2, NM_001194955.2, NM_199189.3); c.499A>G, p.Thr167Ala (NM_001194956.2); c.349A>G, p.Thr117Ala (NM_001282278.2); short protein forms T167A, T117A, T455A.
Identifiers: ClinVar variation 663874 (VCV000663874.9), dbSNP rs781213918, ClinGen allele CA3433132.